The following is an entry in ClinVar:

NM_002693.3(POLG):c.3287G>T (p.Arg1096Leu)

Gene: POLG (DNA polymerase gamma, catalytic subunit; minus strand). Cytogenetic location: 15q26.1.
Variant type: single nucleotide variant.
Coding change: c.3287G>T on transcript NM_002693.3 (MANE Select); coding-DNA position 3287, G replaced by T.
Protein change: p.Arg1096Leu; replaces arginine 1096 with leucine.
Molecular consequence: missense variant.
Genome position (GRCh38, 1-based): chr15:89,318,736, C>A on the plus strand (G>T on the coding strand, the complement: POLG is on the minus strand). VCF-style: chr15-89318736-C-A. GRCh37 (hg19) VCF-style: chr15-89861967-C-A.
Other names: p.R1096L:CGT>CTT; c.3287G>T, p.Arg1096Leu (NM_001126131.2); short protein forms R1096L.
Identifiers: ClinVar variation 206559 (VCV000206559.11), dbSNP rs368435864, ClinGen allele CA316762.

ClinVar aggregate classification (germline): Conflicting classifications of pathogenicity. Review status: criteria provided, conflicting classifications (1 of 4 stars). 3 submissions from 3 submitters: Pathogenic (1); Likely pathogenic (1); Uncertain significance (1). Last evaluated 2025-12-19.

Conditions:
Progressive sclerosing poliodystrophy (MTDPS4A). Also called: ALPERS DIFFUSE DEGENERATION OF CEREBRAL GRAY MATTER WITH HEPATIC CIRRHOSIS; Alpers-Huttenlocher Syndrome; ALPERS PROGRESSIVE INFANTILE POLIODYSTROPHY; NEURONAL DEGENERATION OF CHILDHOOD WITH LIVER DISEASE, PROGRESSIVE; Mitochondrial DNA Depletion Syndrome 4A; Alpers-Huttenlocher Syndrome (AHS). Identifiers: Orphanet 726, MedGen C0205710, MONDO:0008758, OMIM 203700.

gnomAD v4.1: 3 of 1,613,928 alleles (0.00019%); highest among the groups gnomAD compares: South Asian, 0.0022%; no homozygotes.

Submissions (3):

Labcorp Genetics (formerly Invitae), Labcorp
Classification: Likely pathogenic for Progressive sclerosing poliodystrophy. Last evaluated: 2025-12-19. Review status: criteria provided, single submitter. Criteria: Invitae Variant Classification Sherloc (09022015). Collection method: clinical testing. Allele origin: germline.
Comment: This sequence change replaces arginine, which is basic and polar, with leucine, which is neutral and non-polar, at codon 1096 of the POLG protein (p.Arg1096Leu). This variant is present in population databases (rs368435864, gnomAD 0.003%). This missense change has been observed in individual(s) with clinical features of autosomal recessive POLG-related conditions (PMID: 32600829). ClinVar contains an entry for this variant (Variation ID: 206559). Invitae Evidence Modeling of protein sequence and biophysical properties (such as structural, functional, and spatial information, amino acid conservation, physicochemical variation, residue mobility, and thermodynamic stability) indicates that this missense variant is expected to disrupt POLG protein function with a positive predictive value of 95%. This variant disrupts the p.Arg1096 amino acid residue in POLG. Other variant(s) that disrupt this residue have been determined to be pathogenic (PMID: 21305355, 21880868, 22189570, 24265579, 28471437, 30167885). This suggests that this residue is clinically significant, and that variants that disrupt this residue are likely to be disease-causing. In summary, the currently available evidence indicates that the variant is pathogenic, but additional data are needed to prove that conclusively. Therefore, this variant has been classified as Likely Pathogenic.

Athena Diagnostics
Classification: Uncertain significance. Last evaluated: 2024-12-04. Review status: criteria provided, single submitter. Criteria: Athena Diagnostics Criteria. Collection method: clinical testing. Allele origin: unknown.
Comment: Available data are insufficient to determine the clinical significance of the variant at this time. The frequency of this variant in the general population is uninformative in assessment of its pathogenicity. Polyphen and MutationTaster predict this amino acid change may be damaging to the protein.

GeneDx
Classification: Pathogenic. Last evaluated: 2017-01-17. Review status: criteria provided, single submitter. Criteria: GeneDx Variant Classification (06012015). Collection method: clinical testing. Allele origin: germline. Affected: yes.
Comment: p.Arg1096Leu (CGT>CTT): c.3287 G>T in exon 21 of the POLG gene (NM_002693.2). The R1096L mutation has not been published as a mutation, nor has it been reported as a benign polymorphism to our knowledge. It was not observed in approximately 6,400 individuals of European and African American ancestry in the NHLBI Exome Sequencing Project. The R1096L mutation is a non-conservative amino acid substitution, which is likely to impact secondary protein structure as these residues differ in polarity, charge, size and/or other properties. Another mutation at this position (R1096H) has also been reported as pathogenic in a patient with a clinical diagnosis of Alpers syndrome who had a second POLG mutation on the other allele (Horvath et al., 2006). Therefore, we interpret R1096L to be a pathogenic mutation. The variant is found in EPILEPSY panel(s).

Literature cited by the submitters: PubMed 32600829 (cited by Labcorp Genetics (formerly Invitae), Labcorp and Athena Diagnostics); PubMed 21305355 (cited by Labcorp Genetics (formerly Invitae), Labcorp); PubMed 21880868 (cited by Labcorp Genetics (formerly Invitae), Labcorp); PubMed 22189570 (cited by Labcorp Genetics (formerly Invitae), Labcorp); PubMed 24265579 (cited by Labcorp Genetics (formerly Invitae), Labcorp); PubMed 28471437 (cited by Labcorp Genetics (formerly Invitae), Labcorp); PubMed 30167885 (cited by Labcorp Genetics (formerly Invitae), Labcorp); PubMed 29655203 (cited by Athena Diagnostics).